The following is an entry in ClinVar:

NM_182914.3(SYNE2):c.16522T>A (p.Ser5508Thr)

Gene: SYNE2 (spectrin repeat containing nuclear envelope protein 2; plus strand). Cytogenetic location: 14q23.2.
Variant type: single nucleotide variant.
Coding change: c.16522T>A on transcript NM_182914.3 (MANE Select); coding-DNA position 16522, T replaced by A.
Protein change: p.Ser5508Thr; replaces serine 5508 with threonine.
Molecular consequence: missense variant.
Genome position (GRCh38, 1-based): chr14:64,165,327, T>A. VCF-style: chr14-64165327-T-A. GRCh37 (hg19) VCF-style: chr14-64632045-T-A.
Other names: c.16522T>A, p.Ser5508Thr (NM_015180.6); short protein forms S5508T.
Identifiers: ClinVar variation 130483 (VCV000130483.24), dbSNP rs35190322, ClinGen allele CA155553.
Genomic context (GRCh38, chr14:64,165,327, plus strand): 5'-AAATTTCTCTTGTTCTAGTTTGTTCTCTCACAGTTTAAGGATTTTGGAGTCCGGCTGGAA[T>A]CTTTAAAAGGTCTTATTATGCATGAAGAAGAGAATTTGGATAGACTTCACCAACAGGAAA-3'
Protein context (NP_878918.2, residues 5498-5518): QFKDFGVRLE[Ser5508Thr]LKGLIMHEEE

ClinVar aggregate classification (germline): Benign/Likely benign. Review status: criteria provided, multiple submitters, no conflicts (2 of 4 stars). 6 submissions from 6 submitters: Benign (4); Likely benign (1). 1 of the submissions does not count toward it. Last evaluated 2026-01-26.

Conditions:
Emery-Dreifuss muscular dystrophy 5, autosomal dominant (EDMD5). Also called: EMERY-DREIFUSS MUSCULAR DYSTROPHY 5. Identifiers: Orphanet 261, MedGen C2751805, MONDO:0013072, OMIM 612999.

Allele frequency attached by ClinVar (database versions not stated): gnomAD exomes 0.00125; ExAC 0.00154; 1000 Genomes Project 0.00439; gnomAD 0.00526 and 0.00565; ESP Exome Variant Server 0.00546; 1000 Genomes Project 30x 0.00593; TOPMed 0.00603.
gnomAD v4.1: 1,532 of 1,614,042 alleles (0.095%); highest among the groups gnomAD compares: African/African-American, 1.9%; 14 homozygotes.

Submissions (6):

Labcorp Genetics (formerly Invitae), Labcorp
Classification: Benign for Emery-Dreifuss muscular dystrophy 5, autosomal dominant. Last evaluated: 2026-01-26. Review status: criteria provided, single submitter. Criteria: Invitae Variant Classification Sherloc (09022015). Collection method: clinical testing. Allele origin: germline.

Blueprint Genetics
Classification: Likely benign. Last evaluated: 2024-11-26. Review status: criteria provided, single submitter. Criteria: ACMG Guidelines, 2015. Collection method: clinical testing. Allele origin: germline.

Illumina Laboratory Services, Illumina
Classification: Benign for Emery-Dreifuss muscular dystrophy 5, autosomal dominant. Last evaluated: 2018-01-12. Review status: criteria provided, single submitter. Criteria: ICSL Variant Classification Criteria 13 December 2019. Collection method: clinical testing. Allele origin: germline.
Comment: This variant was observed in the ICSL laboratory as part of a predisposition screen in an ostensibly healthy population. It had not been previously curated by ICSL or reported in the Human Gene Mutation Database (HGMD: prior to June 1st, 2018), and was therefore a candidate for classification through an automated scoring system. Utilizing variant allele frequency, disease prevalence and penetrance estimates, and inheritance mode, an automated score was calculated to assess if this variant is too frequent to cause the disease. Based on the score and internal cut-off values, a variant classified as benign is not then subjected to further curation. The score for this variant resulted in a classification of benign for this disease.

Athena Diagnostics
Classification: Benign. Last evaluated: 2017-09-27. Review status: criteria provided, single submitter. Criteria: Athena Diagnostics Criteria. Collection method: clinical testing. Allele origin: germline.

Breakthrough Genomics
Classification: Benign. Review status: criteria provided, single submitter. Criteria: ACMG Guidelines, 2015. Collection method: not provided. Allele origin: germline. Inheritance: Autosomal dominant inheritance. Affected: yes.

Genetic Services Laboratory, University of Chicago
Classification: Likely benign for AllHighlyPenetrant. Review status: no assertion criteria provided. Collection method: clinical testing. Allele origin: germline. Inheritance: Autosomal dominant inheritance. Not counted in ClinVar's aggregate classification.
Comment: Likely benign based on allele frequency in 1000 Genomes Project or ESP global frequency and its presence in a patient with a rare or unrelated disease phenotype. NOT Sanger confirmed.